The following is an entry in ClinVar:

ClinVar aggregate classification (germline): Uncertain significance (1 of 4 stars; one submission).

Conditions:
Amyotrophic lateral sclerosis type 1 (ALS1). Also called: AMYOTROPHIC LATERAL SCLEROSIS 1, FAMILIAL. Identifiers: Orphanet 803, MedGen C1862939, MONDO:0007103, OMIM 105400.
Neuronopathy, distal hereditary motor, type 7B. Also called: HMN VIIB; LOWER MOTOR NEURON DISEASE, DYNACTIN TYPE; NEURONOPATHY, DISTAL HEREDITARY MOTOR, AUTOSOMAL DOMINANT 14; NEURONOPATHY, DISTAL HEREDITARY MOTOR, HARDING TYPE VIIB; NEUROPATHY, DISTAL HEREDITARY MOTOR, HARDING TYPE VIIB; NEUROPATHY, DISTAL HEREDITARY MOTOR, WITH VOCAL CORD PARALYSIS, HARDING TYPE VIIB. Identifiers: Orphanet 139589, MedGen C1843315, MONDO:0011879, OMIM 607641.
Perry syndrome. Also called: PARKINSONISM WITH ALVEOLAR HYPOVENTILATION AND MENTAL DEPRESSION. Identifiers: Orphanet 178509, MedGen C1868594, MONDO:0008201, OMIM 168605.

Allele frequency attached by ClinVar (database versions not stated): gnomAD exomes below 0.00001.

Submission:

Labcorp Genetics (formerly Invitae), Labcorp
Classification: Uncertain significance for Amyotrophic lateral sclerosis type 1; Neuronopathy, distal hereditary motor, type 7B; Perry syndrome. Last evaluated: 2023-08-16. Review status: criteria provided, single submitter. Criteria: Invitae Variant Classification Sherloc (09022015). Collection method: clinical testing. Allele origin: germline.
Comment: In summary, the available evidence is currently insufficient to determine the role of this variant in disease. Therefore, it has been classified as a Variant of Uncertain Significance. Advanced modeling of protein sequence and biophysical properties (such as structural, functional, and spatial information, amino acid conservation, physicochemical variation, residue mobility, and thermodynamic stability) performed at Invitae indicates that this missense variant is expected to disrupt DCTN1 protein function. This variant has not been reported in the literature in individuals affected with DCTN1-related conditions. This variant is not present in population databases (gnomAD no frequency). This sequence change replaces alanine, which is neutral and non-polar, with aspartic acid, which is acidic and polar, at codon 560 of the DCTN1 protein (p.Ala560Asp).

NM_004082.5(DCTN1):c.1679C>A (p.Ala560Asp)

Gene: DCTN1 (dynactin subunit 1; minus strand). Cytogenetic location: 2p13.1.
Variant type: single nucleotide variant.
Coding change: c.1679C>A on transcript NM_004082.5 (MANE Select); coding-DNA position 1679, C replaced by A.
Protein change: p.Ala560Asp; replaces alanine 560 with aspartic acid.
Molecular consequence: missense variant. On other transcripts: non-coding transcript variant (1).
Genome position (GRCh38, 1-based): chr2:74,369,120, G>T on the plus strand (C>A on the coding strand, the complement: DCTN1 is on the minus strand). VCF-style: chr2-74369120-G-T. GRCh37 (hg19) VCF-style: chr2-74596247-G-T.
Other names: c.1619C>A, p.Ala540Asp (NM_001135040.3); c.1277C>A, p.Ala426Asp (NM_001135041.3, NM_023019.4); c.1568C>A, p.Ala523Asp (NM_001190836.2); c.1658C>A, p.Ala553Asp (NM_001190837.2); c.1628C>A, p.Ala543Asp (NM_001378991.1); c.1610C>A, p.Ala537Asp (NM_001378992.1); short protein forms A537D, A560D, A426D, A540D, A553D, A523D, A543D.
Identifiers: ClinVar variation 2951027 (VCV002951027.3), dbSNP rs2529143091, ClinGen allele CA347356706.
Genomic context (GRCh38, chr2:74,369,120, plus strand): 5'-CCAGGCAGGGCTCCCTCAGACCCACACACTTTCCTGACCTTGGCATGGGCCTTAGTCTCA[G>T]CAAACTTGATTTTGAAGTCAAAGGTCTCTGGAGGTGGCTGCTGTTGCCTCTCCACAGATG-3'
Protein context (NP_004073.2, residues 550-570): PETFDFKIKF[Ala560Asp]ETKAHAKAIE